The following is an entry in ClinVar:

NM_006514.4(SCN10A):c.1319C>T (p.Thr440Ile)

Gene: SCN10A (sodium voltage-gated channel alpha subunit 10; minus strand). Cytogenetic location: 3p22.2.
Variant type: single nucleotide variant.
Coding change: c.1319C>T on transcript NM_006514.4 (MANE Select); coding-DNA position 1319, C replaced by T.
Protein change: p.Thr440Ile; replaces threonine 440 with isoleucine.
Molecular consequence: missense variant.
Genome position (GRCh38, 1-based): chr3:38,755,930, G>A on the plus strand (C>T on the coding strand, the complement: SCN10A is on the minus strand). VCF-style: chr3-38755930-G-A. GRCh37 (hg19) VCF-style: chr3-38797421-G-A.
Other names: c.1319C>T, p.Thr440Ile (NM_001293306.2, NM_001293307.2); c.1319C>T (NM_006514.2, NM_006514.3); short protein forms T440I.
Identifiers: ClinVar variation 1521805 (VCV001521805.9), dbSNP rs1018712886, ClinGen allele CA72990365.
Genomic context (GRCh38, chr3:38,755,930, plus strand): 5'-TGCCTTCTCTCACTGGCATTTTTGGAGGTTAAAGGTGATCCATTGTGGGAGTGGAGAGAG[G>A]TTGTGTCAATCCCTAGTGCTGCTAGCACCTGCGAAGAGAGAACAGCAGGTGTAGCCAATA-3'
Protein context (NP_006505.4, residues 430-450): EVLAALGIDT[Thr440Ile]SLHSHNGSPL

ClinVar aggregate classification (germline): Uncertain significance. Review status: criteria provided, multiple submitters, no conflicts (2 of 4 stars). 4 submissions from 4 submitters: Uncertain significance (4). Last evaluated 2026-05-07.

Conditions:
Episodic pain syndrome, familial, 2 (FEPS2). Identifiers: Orphanet 306577, MedGen C3809893, MONDO:0014246, OMIM 615551.
SCN10A-related disorder. Also called: SCN10A-related condition.
Cardiovascular phenotype. Identifiers: MedGen CN230736.
Brugada syndrome. Also called: Sudden unexpected nocturnal death syndrome; Sudden unexplained nocturnal death syndrome; Sudden Unexplained Death Syndrome; Sudden Unexplained Nocturnal Death Syndrome (SUNDS). Identifiers: Orphanet 130, MedGen C1142166, MONDO:0015263.

Allele frequency attached by ClinVar (database versions not stated): gnomAD exomes below 0.00001 and 0.00001; TOPMed 0.00003; gnomAD 0.00004 and 0.00005.
gnomAD v4.1: 9 of 1,614,084 alleles (0.00056%); highest among the groups gnomAD compares: Admixed American, 0.015%; no homozygotes.

Submissions (4):

PreventionGenetics, part of Exact Sciences
Classification: Uncertain significance for SCN10A-related condition. Last evaluated: 2026-05-07. Review status: criteria provided, single submitter. Criteria: ACMG Guidelines, 2015. Collection method: clinical testing. Allele origin: germline.
Comment: The SCN10A c.1319C>T variant is predicted to result in the amino acid substitution p.Thr440Ile. To our knowledge, this variant has not been reported in the literature. This variant is reported in 0.0058% of alleles in individuals of Latino descent in gnomAD. At this time, the clinical significance of this variant is uncertain due to the absence of conclusive functional and genetic evidence.

Ambry Genetics
Classification: Uncertain significance for Cardiovascular phenotype. Last evaluated: 2025-08-28. Review status: criteria provided, single submitter. Criteria: Ambry Variant Classification Scheme 2023. Collection method: clinical testing. Allele origin: germline.

Labcorp Genetics (formerly Invitae), Labcorp
Classification: Uncertain significance for Brugada syndrome. Last evaluated: 2025-01-12. Review status: criteria provided, single submitter. Criteria: Invitae Variant Classification Sherloc (09022015). Collection method: clinical testing. Allele origin: germline.
Comment: This sequence change replaces threonine, which is neutral and polar, with isoleucine, which is neutral and non-polar, at codon 440 of the SCN10A protein (p.Thr440Ile). This variant is present in population databases (no rsID available, gnomAD 0.003%). This variant has not been reported in the literature in individuals affected with SCN10A-related conditions. ClinVar contains an entry for this variant (Variation ID: 1521805). Invitae Evidence Modeling of protein sequence and biophysical properties (such as structural, functional, and spatial information, amino acid conservation, physicochemical variation, residue mobility, and thermodynamic stability) indicates that this missense variant is not expected to disrupt SCN10A protein function with a negative predictive value of 80%. In summary, the available evidence is currently insufficient to determine the role of this variant in disease. Therefore, it has been classified as a Variant of Uncertain Significance.

Department of Pathology and Laboratory Medicine, Sinai Health System
Classification: Uncertain significance for Episodic pain syndrome, familial, 2. Last evaluated: 2022-06-16. Review status: criteria provided, single submitter. Criteria: ACMG Guidelines, 2015. Collection method: research. Allele origin: germline.